The following is an entry in ClinVar:

NM_181836.6(TMED7):c.305A>G (p.Lys102Arg)

Genes: TMED7-TICAM2 (TMED7-TICAM2 readthrough; minus strand), TMED7 (transmembrane p24 trafficking protein 7; minus strand). Cytogenetic location: 5q22.3.
Variant type: single nucleotide variant.
Coding change: c.305A>G on transcript NM_181836.6 (MANE Select); coding-DNA position 305, A replaced by G.
Protein change: p.Lys102Arg; replaces lysine 102 with arginine.
Molecular consequence: missense variant.
Genome position (GRCh38, 1-based): chr5:115,620,568, T>C on the plus strand (A>G on the coding strand, the complement: TMED7 is on the minus strand). VCF-style: chr5-115620568-T-C. GRCh37 (hg19) VCF-style: chr5-114956265-T-C.
Other names: c.305A>G, p.Lys102Arg (NM_001164468.4, NM_001164469.4); short protein forms K102R.
Identifiers: ClinVar variation 2012264 (VCV002012264.4), dbSNP rs1447571436, ClinGen allele CA360713821.
Genomic context (GRCh38, chr5:115,620,568, plus strand): 5'-ACAGTTTTATGTGTGAAAGTAGAAAATTCATTGCTGAAGCAAAATTTGTATGTCCCATTT[T>C]TGGAGGCTGTGAAGGTAAAACTATCATACTGTTTCTTCATCTCTTTGTATAACACTTTAC-3'
Protein context (NP_861974.1, residues 92-112): QYDSFTFTAS[Lys102Arg]NGTYKFCFSN

ClinVar aggregate classification (germline): Uncertain significance (1 of 4 stars; one submission).

Allele frequency attached by ClinVar (database versions not stated): gnomAD 0.00001.

Submission:

Labcorp Genetics (formerly Invitae), Labcorp
Classification: Uncertain significance. Last evaluated: 2022-06-29. Review status: criteria provided, single submitter. Criteria: Invitae Variant Classification Sherloc (09022015). Collection method: clinical testing. Allele origin: germline.
Comment: This sequence change replaces lysine, which is basic and polar, with arginine, which is basic and polar, at codon 102 of the TMED7 protein (p.Lys102Arg). This variant is not present in population databases (gnomAD no frequency). This variant has not been reported in the literature in individuals affected with TMED7-related conditions. Algorithms developed to predict the effect of missense changes on protein structure and function output the following: SIFT: "Tolerated"; PolyPhen-2: "Benign"; Align-GVGD: "Class C0". The arginine amino acid residue is found in multiple mammalian species, which suggests that this missense change does not adversely affect protein function. In summary, the available evidence is currently insufficient to determine the role of this variant in disease. Therefore, it has been classified as a Variant of Uncertain Significance.